The following is an entry in ClinVar:

NM_022089.4(ATP13A2):c.2028G>T (p.Met676Ile)

Gene: ATP13A2 (ATPase cation transporting 13A2; minus strand). Cytogenetic location: 1p36.13.
Variant type: single nucleotide variant.
Coding change: c.2028G>T on transcript NM_022089.4 (MANE Select); coding-DNA position 2028, G replaced by T.
Protein change: p.Met676Ile; replaces methionine 676 with isoleucine.
Molecular consequence: missense variant.
Genome position (GRCh38, 1-based): chr1:16,992,107, C>A on the plus strand (G>T on the coding strand, the complement: ATP13A2 is on the minus strand). VCF-style: chr1-16992107-C-A. GRCh37 (hg19) VCF-style: chr1-17318602-C-A.
Other names: c.2013G>T, p.Met671Ile (NM_001141973.3, NM_001141974.3); short protein forms M671I, M676I.
Identifiers: ClinVar variation 1963800 (VCV001963800.5), dbSNP rs2523275128, ClinGen allele CA338244894.

ClinVar aggregate classification (germline): Uncertain significance (1 of 4 stars; one submission).

Conditions:
Autosomal recessive spastic paraplegia type 78. Identifiers: Orphanet 513436, MedGen C5567893, MONDO:0014975, OMIM 617225.
Kufor-Rakeb syndrome (KRS). Also called: PARKINSON DISEASE 9, AUTOSOMAL RECESSIVE, JUVENILE-ONSET. Identifiers: Orphanet 306674, Orphanet 314632, MedGen C1847640, MONDO:0011706, OMIM 606693.

Submission:

Labcorp Genetics (formerly Invitae), Labcorp
Classification: Uncertain significance for Kufor-Rakeb syndrome; Autosomal recessive spastic paraplegia type 78. Last evaluated: 2022-07-11. Review status: criteria provided, single submitter. Criteria: Invitae Variant Classification Sherloc (09022015). Collection method: clinical testing. Allele origin: germline.
Comment: In summary, the available evidence is currently insufficient to determine the role of this variant in disease. Therefore, it has been classified as a Variant of Uncertain Significance. Advanced modeling of protein sequence and biophysical properties (such as structural, functional, and spatial information, amino acid conservation, physicochemical variation, residue mobility, and thermodynamic stability) performed at Invitae indicates that this missense variant is not expected to disrupt ATP13A2 protein function. This variant has not been reported in the literature in individuals affected with ATP13A2-related conditions. This variant is not present in population databases (gnomAD no frequency). This sequence change replaces methionine, which is neutral and non-polar, with isoleucine, which is neutral and non-polar, at codon 676 of the ATP13A2 protein (p.Met676Ile).